The following is an entry in ClinVar:

ClinVar aggregate classification (germline): Likely benign (1 of 4 stars; one submission).

Submission:

GeneDx
Classification: Likely benign. Last evaluated: 2016-03-24. Review status: criteria provided, single submitter. Criteria: GeneDx Variant Classification (06012015). Collection method: clinical testing. Allele origin: germline. Affected: yes.
Comment: This variant is considered likely benign or benign based on one or more of the following criteria: it is a conservative change, it occurs at a poorly conserved position in the protein, it is predicted to be benign by multiple in silico algorithms, and/or has population frequency not consistent with disease.

NM_002693.3(POLG):c.-48C>T

Genes: POLG (DNA polymerase gamma, catalytic subunit; minus strand), POLGARF (POLG alternative reading frame; minus strand). Cytogenetic location: 15q26.1.
Variant type: single nucleotide variant.
Coding change: c.-48C>T on transcript NM_002693.3 (MANE Select); 48 bases upstream of the start codon, C replaced by T.
Molecular consequence: 5 prime UTR variant.
Genome position (GRCh38, 1-based): chr15:89,333,802, G>A on the plus strand (C>T on the coding strand, the complement: POLG is on the minus strand). VCF-style: chr15-89333802-G-A. GRCh37 (hg19) VCF-style: chr15-89877033-G-A.
Other names: c.-48C>T (NM_001126131.2).
Identifiers: ClinVar variation 384243 (VCV000384243.1), dbSNP rs1057521902, ClinGen allele CA16606840.
Genomic context (GRCh38, chr15:89,333,802, plus strand): 5'-GCAGGCGGCTCATGGTTGGTGCAGGGACCCCCACGCTGGGAGTCAGAACACCTGGCTTTG[G>A]GCTCCAGCTTGGCTTCTTTTACTGGCTGGAAGACGTGGAGAGAGACACGTCCTGTCTCTG-3'